The following is an entry in ClinVar:

NM_053025.4(MYLK):c.2943del (p.Arg982fs)

Gene: MYLK (myosin light chain kinase; minus strand). Cytogenetic location: 3q21.1.
Variant type: Deletion.
Coding change: c.2943del on transcript NM_053025.4 (MANE Select); coding-DNA position 2943, one base deleted (T; older notation c.2943delT).
Protein change: p.Arg982fs; shifts the reading frame from arginine 982.
Molecular consequence: frameshift variant.
Genome position (GRCh38, 1-based): chr3:123,700,525, A deleted on the plus strand (T on the coding strand, the reverse complement: MYLK is on the minus strand); the first of 4 consecutive A bases (chr3:123,700,525-123,700,528); deleting any one gives the same sequence. VCF-style (leftmost placement, unchanged base first): chr3-123700524-GA-G. GRCh37 (hg19) VCF-style: chr3-123419371-GA-G.
Other names: c.2415del, p.Arg806fs (NM_001321309.2); c.2736del, p.Arg913fs (NM_053026.4, NM_053028.4); c.2943del, p.Arg982fs (NM_053027.4); short protein forms R982fs, R913fs, R806fs.
Identifiers: ClinVar variation 3642990 (VCV003642990.2).

ClinVar aggregate classification (germline): Pathogenic (1 of 4 stars; one submission).

Conditions:
Aortic aneurysm, familial thoracic 7 (AAT7). Also called: AORTIC DISSECTION, FAMILIAL, WITH OR WITHOUT AORTIC ANEURYSM. Identifiers: MedGen C3151077, MONDO:0013418, OMIM 613780.

Submission:

Labcorp Genetics (formerly Invitae), Labcorp
Classification: Pathogenic for Aortic aneurysm, familial thoracic 7. Last evaluated: 2024-02-24. Review status: criteria provided, single submitter. Criteria: Invitae Variant Classification Sherloc (09022015). Collection method: clinical testing. Allele origin: germline.
Comment: This sequence change creates a premature translational stop signal (p.Arg982Alafs*22) in the MYLK gene. It is expected to result in an absent or disrupted protein product. Loss-of-function variants in MYLK are known to be pathogenic (PMID: 21055718, 28602422). This variant is not present in population databases (gnomAD no frequency). This variant has not been reported in the literature in individuals affected with MYLK-related conditions. For these reasons, this variant has been classified as Pathogenic.

Literature cited by the submitters: PubMed 21055718; PubMed 28602422.